The following is an entry in ClinVar:

ClinVar aggregate classification (germline): Likely pathogenic (1 of 4 stars; one submission).

Conditions:
Hereditary cancer-predisposing syndrome. Also called: Neoplastic Syndromes, Hereditary; Tumor predisposition; Hereditary Cancer Syndrome; Hereditary neoplastic syndrome. Identifiers: Orphanet 140162, MedGen C0027672, MeSH D009386, MONDO:0015356.

Submission:

Ambry Genetics
Classification: Likely pathogenic for Hereditary cancer-predisposing syndrome. Last evaluated: 2026-03-23. Review status: criteria provided, single submitter. Criteria: Ambry Variant Classification Scheme 2023. Collection method: clinical testing. Allele origin: germline.
Comment: The c.302-1G>C intronic variant results from a G to C substitution one nucleotide upstream from coding exon 3 of the CTNNA1 gene. This variant is considered to be rare based on population cohorts in the Genome Aggregation Database (gnomAD). This nucleotide position is highly conserved in available vertebrate species. In silico splice site analysis predicts that this alteration will weaken the native splice acceptor site and will result in the creation or strengthening of a novel splice acceptor site; however, direct evidence is insufficient at this time (Ambry internal data). Variants that disrupt the canonical splice site are expected to cause aberrant splicing, resulting in an abnormal protein or a transcript that is subject to nonsense-mediated mRNA decay. As such, this alteration is classified as likely pathogenic.

NM_001903.5(CTNNA1):c.302-1G>C

Gene: CTNNA1 (catenin alpha 1; plus strand). Cytogenetic location: 5q31.2.
Variant type: single nucleotide variant.
Coding change: c.302-1G>C on transcript NM_001903.5 (MANE Select); the canonical splice acceptor site of the intron before coding-DNA position 302, G replaced by C.
Molecular consequence: splice acceptor variant. On other transcripts: intron variant (1).
Genome position (GRCh38, 1-based): chr5:138,810,037, G>C. VCF-style: chr5-138810037-G-C. GRCh37 (hg19) VCF-style: chr5-138145726-G-C.
Other names: c.302-1G>C (NM_001323982.2, NM_001323984.2, NM_001290307.3 and 3 more transcripts); c.-5-64G>C (NM_001290310.3); c.-8-1G>C (NM_001290309.3).
Identifiers: ClinVar variation 4869465 (VCV004869465.1).
Genomic context (GRCh38, chr5:138,810,037, plus strand): 5'-AAATGTAGATCAGTTATTTGAGTTCATTCTTGCTGAGTTTGTTTTTCATTCTGTAAAACA[G>C]GTGATTTGATGAAGGCTGCTGCAGGAGAGTTCGCAGATGATCCCTGCTCTTCTGTGAAGC-3'